The following is an entry in ClinVar:

NM_014915.3(ANKRD26):c.2540T>G (p.Val847Gly)

Gene: ANKRD26 (ankyrin repeat domain containing 26; minus strand). Cytogenetic location: 10p12.1.
Variant type: single nucleotide variant.
Coding change: c.2540T>G on transcript NM_014915.3 (MANE Select); coding-DNA position 2540, T replaced by G.
Protein change: p.Val847Gly; replaces valine 847 with glycine.
Molecular consequence: missense variant.
Genome position (GRCh38, 1-based): chr10:27,037,890, A>C on the plus strand (T>G on the coding strand, the complement: ANKRD26 is on the minus strand). VCF-style: chr10-27037890-A-C. GRCh37 (hg19) VCF-style: chr10-27326819-A-C.
Other names: c.2537T>G, p.Val846Gly (NM_001256053.2); short protein forms V846G, V847G.
Identifiers: ClinVar variation 3871283 (VCV003871283.1).

ClinVar aggregate classification (germline): Uncertain significance (1 of 4 stars; one submission).

Conditions:
Inborn genetic diseases. Identifiers: MedGen C0950123, MeSH D030342.

Submission:

Ambry Genetics
Classification: Uncertain significance for Inborn genetic diseases. Last evaluated: 2025-02-14. Review status: criteria provided, single submitter. Criteria: Ambry Variant Classification Scheme 2023. Collection method: clinical testing. Allele origin: germline.
Comment: The p.V847G variant (also known as c.2540T>G), located in coding exon 22 of the ANKRD26 gene, results from a T to G substitution at nucleotide position 2540. The valine at codon 847 is replaced by glycine, an amino acid with dissimilar properties. This amino acid position is conserved. In addition, this alteration is predicted to be tolerated by in silico analysis. Based on the available evidence, the clinical significance of this variant remains unclear.